The following is an entry in ClinVar:

NM_000222.3(KIT):c.2291T>C (p.Leu764Pro)

Gene: KIT (KIT proto-oncogene, receptor tyrosine kinase; plus strand). Cytogenetic location: 4q12.
Variant type: single nucleotide variant.
Coding change: c.2291T>C on transcript NM_000222.3 (MANE Select); coding-DNA position 2291, T replaced by C.
Protein change: p.Leu764Pro; replaces leucine 764 with proline.
Molecular consequence: missense variant.
Genome position (GRCh38, 1-based): chr4:54,731,928, T>C. VCF-style: chr4-54731928-T-C. GRCh37 (hg19) VCF-style: chr4-55598094-T-C.
Other names: c.2279T>C, p.Leu760Pro (NM_001093772.2, NM_001385292.1); c.2294T>C, p.Leu765Pro (NM_001385284.1); c.2288T>C, p.Leu763Pro (NM_001385285.1); c.2276T>C, p.Leu759Pro (NM_001385286.1); c.2282T>C, p.Leu761Pro (NM_001385288.1); c.2291T>C, p.Leu764Pro (NM_001385290.1); short protein forms L764P, L760P, L759P, L761P, L763P, L765P.
Identifiers: ClinVar variation 528594 (VCV000528594.14), dbSNP rs1553892703, ClinGen allele CA356910935.

ClinVar aggregate classification (germline): Uncertain significance. Review status: criteria provided, multiple submitters, no conflicts (2 of 4 stars). 3 submissions from 3 submitters: Uncertain significance (3). Last evaluated 2026-01-24.

Conditions:
Gastrointestinal stromal tumor. Also called: Gastrointestinal stroma tumor; Gastrointestinal stromal tumor, somatic. Identifiers: Orphanet 44890, MedGen C0238198, MeSH D046152, MONDO:0011719, OMIM 606764, HP:0100723.
Hereditary cancer-predisposing syndrome. Also called: Tumor predisposition; Hereditary neoplastic syndrome; Hereditary Cancer Syndrome; Neoplastic Syndromes, Hereditary. Identifiers: Orphanet 140162, MedGen C0027672, MeSH D009386, MONDO:0015356.

Allele frequency attached by ClinVar (database versions not stated): gnomAD exomes below 0.00001.
gnomAD v4.1: 1 of 1,613,736 alleles (0.000062%); highest among the groups gnomAD compares: Non-Finnish European, 0.000085%; no homozygotes.

Submissions (3):

Labcorp Genetics (formerly Invitae), Labcorp
Classification: Uncertain significance for Gastrointestinal stromal tumor. Last evaluated: 2026-01-24. Review status: criteria provided, single submitter. Criteria: Invitae Variant Classification Sherloc (09022015). Collection method: clinical testing. Allele origin: germline.
Comment: This sequence change replaces leucine, which is neutral and non-polar, with proline, which is neutral and non-polar, at codon 764 of the KIT protein (p.Leu764Pro). This variant is not present in population databases (gnomAD no frequency). This variant has not been reported in the literature in individuals affected with KIT-related conditions. ClinVar contains an entry for this variant (Variation ID: 528594). An algorithm developed to predict the effect of missense changes on protein structure and function (PolyPhen-2) suggests that this variant is likely to be disruptive. In summary, the available evidence is currently insufficient to determine the role of this variant in disease. Therefore, it has been classified as a Variant of Uncertain Significance.

Ambry Genetics
Classification: Uncertain significance for Hereditary cancer-predisposing syndrome. Last evaluated: 2024-06-30. Review status: criteria provided, single submitter. Criteria: Ambry Variant Classification Scheme 2023. Collection method: clinical testing. Allele origin: germline.
Comment: The p.L764P variant (also known as c.2291T>C), located in coding exon 16 of the KIT gene, results from a T to C substitution at nucleotide position 2291. The leucine at codon 764 is replaced by proline, an amino acid with similar properties. This amino acid position is conserved. In addition, this alteration is predicted to be deleterious by in silico analysis. Since supporting evidence is limited at this time, the clinical significance of this alteration remains unclear.

Baylor Genetics
Classification: Uncertain significance for Gastrointestinal stromal tumor. Last evaluated: 2023-08-08. Review status: criteria provided, single submitter. Criteria: ACMG Guidelines, 2015. Collection method: clinical testing. Allele origin: unknown.